The following is an entry in ClinVar:

NM_000064.4(C3):c.1397G>T (p.Arg466Ile)

Gene: C3 (complement C3; minus strand). Cytogenetic location: 19p13.3.
Variant type: single nucleotide variant.
Coding change: c.1397G>T on transcript NM_000064.4 (MANE Select); coding-DNA position 1397, G replaced by T.
Protein change: p.Arg466Ile; replaces arginine 466 with isoleucine.
Molecular consequence: missense variant.
Genome position (GRCh38, 1-based): chr19:6,711,069, C>A on the plus strand (G>T on the coding strand, the complement: C3 is on the minus strand). VCF-style: chr19-6711069-C-A. GRCh37 (hg19) VCF-style: chr19-6711080-C-A.
Other names: short protein forms R466I.
Identifiers: ClinVar variation 1912078 (VCV001912078.5), dbSNP rs764476466, ClinGen allele CA9129470.

ClinVar aggregate classification (germline): Uncertain significance (1 of 4 stars; one submission).

Allele frequency attached by ClinVar (database versions not stated): gnomAD 0.00001; TOPMed 0.00001.
gnomAD v4.1: 2 of 1,614,050 alleles (0.00012%); highest among the groups gnomAD compares: African/African-American, 0.0027%; no homozygotes.

Submission:

Labcorp Genetics (formerly Invitae), Labcorp
Classification: Uncertain significance. Last evaluated: 2022-09-09. Review status: criteria provided, single submitter. Criteria: Invitae Variant Classification Sherloc (09022015). Collection method: clinical testing. Allele origin: germline.
Comment: In summary, the available evidence is currently insufficient to determine the role of this variant in disease. Therefore, it has been classified as a Variant of Uncertain Significance. Advanced modeling of protein sequence and biophysical properties (such as structural, functional, and spatial information, amino acid conservation, physicochemical variation, residue mobility, and thermodynamic stability) performed at Invitae indicates that this missense variant is not expected to disrupt C3 protein function. This variant has not been reported in the literature in individuals affected with C3-related conditions. This variant is present in population databases (rs764476466, gnomAD 0.007%). This sequence change replaces arginine, which is basic and polar, with isoleucine, which is neutral and non-polar, at codon 466 of the C3 protein (p.Arg466Ile).